The following is an entry in ClinVar:

NM_078470.6(COX15):c.90+1G>C

Genes: COX15 (cytochrome c oxidase assembly factor COX15; minus strand), LOC130004506 (ATAC-STARR-seq lymphoblastoid active region 3872; plus strand). Cytogenetic location: 10q24.2.
Variant type: single nucleotide variant.
Coding change: c.90+1G>C on transcript NM_078470.6 (MANE Select); the canonical splice donor site of the intron after coding-DNA position 90, G replaced by C.
Molecular consequence: splice donor variant.
Genome position (GRCh38, 1-based): chr10:99,731,959, C>G on the plus strand (G>C on the coding strand, the complement: COX15 is on the minus strand). VCF-style: chr10-99731959-C-G. GRCh37 (hg19) VCF-style: chr10-101491716-C-G.
Other names: c.90+1G>C (NM_001320974.2, NM_001372026.1, NM_001372028.1 and 5 more transcripts); c.-365+1G>C (NM_001320976.2).
Identifiers: ClinVar variation 2854588 (VCV002854588.3), dbSNP rs1259153475, ClinGen allele CA378090755.

ClinVar aggregate classification (germline): Likely pathogenic (1 of 4 stars; one submission).

Submission:

Labcorp Genetics (formerly Invitae), Labcorp
Classification: Likely pathogenic. Last evaluated: 2023-04-10. Review status: criteria provided, single submitter. Criteria: Invitae Variant Classification Sherloc (09022015). Collection method: clinical testing. Allele origin: germline.
Comment: In summary, the currently available evidence indicates that the variant is pathogenic, but additional data are needed to prove that conclusively. Therefore, this variant has been classified as Likely Pathogenic. Algorithms developed to predict the effect of sequence changes on RNA splicing suggest that this variant may disrupt the consensus splice site. This variant has not been reported in the literature in individuals affected with COX15-related conditions. This variant is not present in population databases (gnomAD no frequency). This sequence change affects a donor splice site in intron 1 of the COX15 gene. It is expected to disrupt RNA splicing. Variants that disrupt the donor or acceptor splice site typically lead to a loss of protein function (PMID: 16199547), and loss-of-function variants in COX15 are known to be pathogenic (PMID: 15863660, 21412973).

Literature cited by the submitters: PubMed 16199547; PubMed 15863660; PubMed 21412973.